The following is an entry in ClinVar:

NM_014334.4(FRRS1L):c.618_619insTTTTTTTTTTNNNNNNNNNNGGGATGGTCTCGATCTCCTGACCTCGTGATCCGCCCGCCTCGGCCTCCCAAAGTGCTGGGATTACAGGCGTGAGCCACCGCGCCCGGCCTCACCTGCAGATTT (p.Lys207delinsPhePhePheXaaXaaXaaXaaGlyTrpSerArgSerProAspLeuValIleArgProProArgProProLysValLeuGlyLeuGlnAlaTer)

Gene: FRRS1L (ferric chelate reductase 1 like; minus strand). Cytogenetic location: 9q31.3.
Variant type: Insertion.
Coding change: c.618_619insTTTTTTTTTTNNNNNNNNNNGGGATGGTCTCGATCTCCTGACCTCGTGATCCGCCCGCCTCGGCCTCCCAAAGTGCTGGGATTACAGGCGTGAGCCACCGCGCCCGGCCTCACCTGCAGATTT on transcript NM_014334.4 (MANE Select); coding-DNA positions 618 to 619, TTTTTTTTTTNNNNNNNNNNGGGATGGTCTCGATCTCCTGACCTCGTGATCCGCCCGCCTCGGCCTCCCAAAGTGCTGGGATTACAGGCGTGAGCCACCGCGCCCGGCCTCACCTGCAGATTT inserted.
Protein change: p.Lys207delinsPhePhePheXaaXaaXaaXaaGlyTrpSerArgSerProAspLeuValIleArgProProArgProProLysValLeuGlyLeuGlnAlaTer.
Molecular consequence: nonsense.
Genome position: GRCh38: chr9:109,141,447-109,141,448. GRCh37 (hg19): chr9:111,903,727-111,903,728.
Identifiers: ClinVar variation 1076371 (VCV001076371.9), dbSNP rs2118467700.

ClinVar aggregate classification (germline): Pathogenic (1 of 4 stars; one submission).

Conditions:
Developmental and epileptic encephalopathy, 37 (DEE37). Also called: Epileptic encephalopathy, early infantile, 37. Identifiers: MedGen C4310770, MONDO:0014859, OMIM 616981.

Submission:

Labcorp Genetics (formerly Invitae), Labcorp
Classification: Pathogenic for Developmental and epileptic encephalopathy, 37. Last evaluated: 2018-04-25. Review status: criteria provided, single submitter. Criteria: Invitae Variant Classification Sherloc (09022015). Collection method: clinical testing. Allele origin: germline.
Comment: This sequence change inserts an Alu retrotransposon in exon 4 of the FRRS1L mRNA (c.771_772insAlu), causing a frameshift at codon 258 (p.Lys258fs). The exact size and sequence of the insertion cannot be determined by the current assay. However, the insertion is expected to result in an absent or disrupted protein product. This variant is not present in population databases (ExAC no frequency). For these reasons, this variant has been classified as Pathogenic. Retrotransposon insertions including LINE1 (L1), Alu, and SVA (SINE-VNTR-Alu) have been reported to be disease-causing through disruption of either a coding region or splice site (PMID: 19763152, 20307669, 22406018). Although this variant has not been reported in the literature, Loss-of-function variants in FRRS1L are known to be pathogenic (PMID: 27236917)

Literature cited by the submitters: PubMed 19763152; PubMed 20307669; PubMed 22406018; PubMed 27236917.